The following is an entry in ClinVar:

ClinVar aggregate classification (germline): Uncertain significance (1 of 4 stars; one submission).

Conditions:
Retinoblastoma (RB1). Also called: RETINOBLASTOMA, SOMATIC. Identifiers: Orphanet 790, MedGen C0035335, MeSH D012175, MONDO:0008380, OMIM 180200, HP:0009919. Disease mechanism: loss of function. Inheritance: Both sporadic and heritable forms are tested..

Submission:

Labcorp Genetics (formerly Invitae), Labcorp
Classification: Uncertain significance for Retinoblastoma. Last evaluated: 2018-11-30. Review status: criteria provided, single submitter. Criteria: Invitae Variant Classification Sherloc (09022015). Collection method: clinical testing. Allele origin: germline.
Comment: In summary, the available evidence is currently insufficient to determine the role of this variant in disease. Therefore, it has been classified as a Variant of Uncertain Significance. Algorithms developed to predict the effect of sequence changes on RNA splicing suggest that this variant may disrupt the consensus splice site, but this prediction has not been confirmed by published transcriptional studies. This variant has not been reported in the literature in individuals with RB1-related conditions. This variant is not present in population databases (ExAC no frequency). This sequence change falls in intron 17 of the RB1 gene. It does not directly change the encoded amino acid sequence of the RB1 protein.

NM_000321.3(RB1):c.1696-5T>G

Gene: RB1 (RB transcriptional corepressor 1; plus strand). Cytogenetic location: 13q14.2.
Variant type: single nucleotide variant.
Coding change: c.1696-5T>G on transcript NM_000321.3 (MANE Select); 5 bases into the intron before coding-DNA position 1696, T replaced by G.
Molecular consequence: intron variant.
Genome position (GRCh38, 1-based): chr13:48,452,988, T>G. VCF-style: chr13-48452988-T-G. GRCh37 (hg19) VCF-style: chr13-49027124-T-G.
Identifiers: ClinVar variation 652186 (VCV000652186.7), dbSNP rs1593529861, ClinGen allele CA915948561.
Genomic context (GRCh38, chr13:48,452,988, plus strand): 5'-TTTGATATGTACCTGGGAAAATTATGCTTACTAATGTGGTTTTAATTTCATCATGTTTCA[T>G]ATAGGATTCACCTTTATTTGATCTTATTAAACAATCAAAGGACCGAGAAGGACCAACTGA-3'